The following is an entry in ClinVar:

ClinVar aggregate classification (germline): Uncertain significance (0 of 4 stars; one submission).

Conditions:
FAAH2-related disorder. Also called: FAAH2-related condition.

gnomAD v4.1: 2 of 1,210,192 alleles (0.00017%); highest among the groups gnomAD compares: East Asian, 0.0059%; no homozygotes.

Submissions (2):

PreventionGenetics, part of Exact Sciences
Classification: Uncertain significance for FAAH2-related condition. Last evaluated: 2024-05-13. Review status: no assertion criteria provided. Collection method: clinical testing. Allele origin: germline.
Comment: The FAAH2 c.689G>A variant is predicted to result in the amino acid substitution p.Ser230Asn. To our knowledge, this variant has not been reported in the literature or in a large population database, indicating this variant is rare. At this time, the clinical significance of this variant is uncertain due to the absence of conclusive functional and genetic evidence.

Dr. Peter K. Rogan Lab, Western University
No classification provided (evidence only). Condition: Thyroid cancer, nonmedullary, 1. Review status: no classification provided. Collection method: in vitro. Allele origin: not applicable. Functional consequence: retained intron. Not counted in ClinVar's aggregate classification.

NM_174912.4(FAAH2):c.689G>A (p.Ser230Asn)

Gene: FAAH2 (fatty acid amide hydrolase 2; plus strand). Cytogenetic location: Xp11.21.
Variant type: single nucleotide variant.
Coding change: c.689G>A on transcript NM_174912.4 (MANE Select); coding-DNA position 689, G replaced by A.
Protein change: p.Ser230Asn; replaces serine 230 with asparagine.
Molecular consequence: missense variant. On other transcripts: non-coding transcript variant (2).
Genome position (GRCh38, 1-based): chrX:57,341,337, G>A. VCF-style: chrX-57341337-G-A. GRCh37 (hg19) VCF-style: chrX-57367770-G-A.
Other names: NC_000023.10:g.57367770G>A; c.689G>A, p.Ser230Asn (NM_001353840.1); c.479G>A, p.Ser160Asn (NM_001353841.1); short protein forms S160N, S230N.
Identifiers: ClinVar variation 3345247 (VCV003345247.2).